The following is an entry in ClinVar:

NM_015662.3(IFT172):c.2148G>T (p.Gln716His)

Gene: IFT172 (intraflagellar transport 172; minus strand). Cytogenetic location: 2p23.3.
Variant type: single nucleotide variant.
Coding change: c.2148G>T on transcript NM_015662.3 (MANE Select); coding-DNA position 2148, G replaced by T.
Protein change: p.Gln716His; replaces glutamine 716 with histidine.
Molecular consequence: missense variant.
Genome position (GRCh38, 1-based): chr2:27,461,804, C>A on the plus strand (G>T on the coding strand, the complement: IFT172 is on the minus strand). VCF-style: chr2-27461804-C-A. GRCh37 (hg19) VCF-style: chr2-27684671-C-A.
Other names: c.2082G>T, p.Gln694His (NM_001410739.1); c.2148G>T (NM_015662.2); short protein forms Q694H, Q716H.
Identifiers: ClinVar variation 2200454 (VCV002200454.5), dbSNP rs113996042, ClinGen allele CA1580383.

ClinVar aggregate classification (germline): Uncertain significance. Review status: criteria provided, multiple submitters, no conflicts (2 of 4 stars). 3 submissions from 3 submitters: Uncertain significance (2). 1 of the submissions does not count toward it. Last evaluated 2024-07-08.

Conditions:
IFT172-related disorder. Also called: IFT172-related condition; IFT172-related disorders.
Short-rib thoracic dysplasia 10 with or without polydactyly (SRTD10). Identifiers: Orphanet 474, MedGen C3810175, MONDO:0014284, OMIM 615630.
Retinitis pigmentosa 71 (RP71). Identifiers: Orphanet 791, MedGen C4225342, MONDO:0014618, OMIM 616394.
Bardet-Biedl syndrome 20. Identifiers: MedGen C4310707, MONDO:0023670, OMIM 619471, MONDO:0014926.

Allele frequency attached by ClinVar (database versions not stated): TOPMed below 0.00001; gnomAD 0.00001; ExAC 0.00004; 1000 Genomes Project 30x 0.00016; 1000 Genomes Project 0.00020.
gnomAD v4.1: 19 of 1,614,188 alleles (0.0012%); highest among the groups gnomAD compares: Admixed American, 0.0067%; no homozygotes.

Submissions (3):

Labcorp Genetics (formerly Invitae), Labcorp
Classification: Uncertain significance for Retinitis pigmentosa 71; Short-rib thoracic dysplasia 10 with or without polydactyly. Last evaluated: 2024-07-08. Review status: criteria provided, single submitter. Criteria: Invitae Variant Classification Sherloc (09022015). Collection method: clinical testing. Allele origin: germline.
Comment: This sequence change replaces glutamine, which is neutral and polar, with histidine, which is basic and polar, at codon 716 of the IFT172 protein (p.Gln716His). This variant is present in population databases (rs113996042, gnomAD 0.01%). This variant has not been reported in the literature in individuals affected with IFT172-related conditions. ClinVar contains an entry for this variant (Variation ID: 2200454). Advanced modeling of protein sequence and biophysical properties (such as structural, functional, and spatial information, amino acid conservation, physicochemical variation, residue mobility, and thermodynamic stability) performed at Invitae indicates that this missense variant is not expected to disrupt IFT172 protein function with a negative predictive value of 80%. In summary, the available evidence is currently insufficient to determine the role of this variant in disease. Therefore, it has been classified as a Variant of Uncertain Significance.

Fulgent Genetics
Classification: Uncertain significance for Short-rib thoracic dysplasia 10 with or without polydactyly; Retinitis pigmentosa 71; Bardet-Biedl syndrome 20. Last evaluated: 2024-04-05. Review status: criteria provided, single submitter. Criteria: ACMG Guidelines, 2015. Collection method: clinical testing. Allele origin: germline.

PreventionGenetics, part of Exact Sciences
Classification: Uncertain significance for IFT172-related condition. Last evaluated: 2024-06-10. Review status: no assertion criteria provided. Collection method: clinical testing. Allele origin: germline. Not counted in ClinVar's aggregate classification.
Comment: The IFT172 c.2148G>T variant is predicted to result in the amino acid substitution p.Gln716His. This variant has not been reported in a large population database, indicating this variant is rare. At this time, the clinical significance of this variant is uncertain due to the absence of conclusive functional and genetic evidence.